The following is an entry in ClinVar:

ClinVar aggregate classification (germline): Conflicting classifications of pathogenicity. Review status: criteria provided, conflicting classifications (1 of 4 stars). 2 submissions from 2 submitters: Uncertain significance (1); Likely benign (1). Last evaluated 2024-09-26.

Conditions:
Hereditary cancer-predisposing syndrome. Also called: Hereditary neoplastic syndrome; Hereditary Cancer Syndrome; Neoplastic Syndromes, Hereditary; Tumor predisposition. Identifiers: Orphanet 140162, MedGen C0027672, MeSH D009386, MONDO:0015356.
Fanconi anemia complementation group J. Also called: BRIP1-Related Fanconi Anemia. Identifiers: Orphanet 84, MedGen C1836860, MONDO:0012187, OMIM 609054.
Familial cancer of breast. Also called: Hereditary breast cancer; BREAST CANCER, FAMILIAL; hereditary breast carcinoma. Identifiers: Orphanet 227535, MedGen C0346153, MONDO:0016419, OMIM 114480. Disease mechanism: loss of function.

Allele frequency attached by ClinVar (database versions not stated): gnomAD exomes below 0.00001.
gnomAD v4.1: 1 of 1,614,056 alleles (0.000062%); highest among the groups gnomAD compares: Non-Finnish European, 0.000085%; no homozygotes.

Submissions (2):

Ambry Genetics
Classification: Likely benign for Hereditary cancer-predisposing syndrome. Last evaluated: 2024-09-26. Review status: criteria provided, single submitter. Criteria: Ambry Variant Classification Scheme 2023. Collection method: clinical testing. Allele origin: germline.

Labcorp Genetics (formerly Invitae), Labcorp
Classification: Uncertain significance for Familial cancer of breast; Fanconi anemia complementation group J. Last evaluated: 2021-01-30. Review status: criteria provided, single submitter. Criteria: Invitae Variant Classification Sherloc (09022015). Collection method: clinical testing. Allele origin: germline.
Comment: This variant is not present in population databases (ExAC no frequency). In summary, the available evidence is currently insufficient to determine the role of this variant in disease. Therefore, it has been classified as a Variant of Uncertain Significance. Algorithms developed to predict the effect of missense changes on protein structure and function output the following: SIFT: "Tolerated"; PolyPhen-2: "Benign"; Align-GVGD: "Class C0". The alanine amino acid residue is found in multiple mammalian species, suggesting that this missense change does not adversely affect protein function. These predictions have not been confirmed by published functional studies and their clinical significance is uncertain. This variant has not been reported in the literature in individuals with BRIP1-related conditions. This sequence change replaces threonine with alanine at codon 104 of the BRIP1 protein (p.Thr104Ala). The threonine residue is weakly conserved and there is a small physicochemical difference between threonine and alanine.

NM_032043.3(BRIP1):c.310A>G (p.Thr104Ala)

Gene: BRIP1 (BRCA1 interacting DNA helicase 1; minus strand). Cytogenetic location: 17q23.2.
Variant type: single nucleotide variant.
Coding change: c.310A>G on transcript NM_032043.3 (MANE Select); coding-DNA position 310, A replaced by G.
Protein change: p.Thr104Ala; replaces threonine 104 with alanine.
Molecular consequence: missense variant.
Genome position (GRCh38, 1-based): chr17:61,857,127, T>C on the plus strand (A>G on the coding strand, the complement: BRIP1 is on the minus strand). VCF-style: chr17-61857127-T-C. GRCh37 (hg19) VCF-style: chr17-59934488-T-C.
Other names: c.310A>G (NM_032043.2); short protein forms T104A.
Identifiers: ClinVar variation 1368028 (VCV001368028.10), dbSNP rs2145828204, ClinGen allele CA400485396.
Genomic context (GRCh38, chr17:61,857,127, plus strand): 5'-TTGATGAAGTGCCATTTCTTTCAGAAGGTGGTGTGCTTGGATAGTTGAAATGACGTGAAG[T>C]TCCTTGGTTCATGTCATTGTTTGTAAAATCCTTTGAATGGCATGCACAACAACATGACAA-3'
Protein context (NP_114432.2, residues 94-114): DFTNNDMNQG[Thr104Ala]SRHFNYPSTP